The following is an entry in ClinVar:

NM_001012339.3(DNAJC21):c.679C>T (p.Gln227Ter)

Gene: DNAJC21 (DnaJ heat shock protein family (Hsp40) member C21; plus strand). Cytogenetic location: 5p13.2.
Variant type: single nucleotide variant.
Coding change: c.679C>T on transcript NM_001012339.3 (MANE Select); coding-DNA position 679, C replaced by T.
Protein change: p.Gln227Ter; replaces glutamine 227 with a stop codon.
Molecular consequence: nonsense.
Genome position (GRCh38, 1-based): chr5:34,937,566, C>T. VCF-style: chr5-34937566-C-T. GRCh37 (hg19) VCF-style: chr5-34937671-C-T.
Other names: c.679C>T, p.Gln227Ter (NM_001348420.2, NM_194283.4); short protein forms Q227*.
Identifiers: ClinVar variation 2029407 (VCV002029407.4), dbSNP rs1764826248, ClinGen allele CA359415600.
Genomic context (GRCh38, chr5:34,937,566, plus strand): 5'-GTAGCTTTCATTCGTAAAAGAGATAAAAGAGTGCAGGCGCATCGAAAACTTGTGGAAGAA[C>T]AGAATGCAGAGAAGGCGAGGAAAGCCGAAGAGATGAGGCGGCAGCAGAAGCTAAAGCAGG-3'

ClinVar aggregate classification (germline): Pathogenic (1 of 4 stars; one submission).

Submission:

Labcorp Genetics (formerly Invitae), Labcorp
Classification: Pathogenic. Last evaluated: 2022-09-07. Review status: criteria provided, single submitter. Criteria: Invitae Variant Classification Sherloc (09022015). Collection method: clinical testing. Allele origin: germline.
Comment: For these reasons, this variant has been classified as Pathogenic. This variant has not been reported in the literature in individuals affected with DNAJC21-related conditions. This variant is not present in population databases (gnomAD no frequency). This sequence change creates a premature translational stop signal (p.Gln227*) in the DNAJC21 gene. It is expected to result in an absent or disrupted protein product. Loss-of-function variants in DNAJC21 are known to be pathogenic (PMID: 27346687, 28062395).

Literature cited by the submitters: PubMed 27346687; PubMed 28062395.